The following is an entry in ClinVar:

NM_000400.4(ERCC2):c.1628A>C (p.Gln543Pro)

Gene: ERCC2 (ERCC excision repair 2, TFIIH core complex helicase subunit; minus strand). Cytogenetic location: 19q13.32.
Variant type: single nucleotide variant.
Coding change: c.1628A>C on transcript NM_000400.4 (MANE Select); coding-DNA position 1628, A replaced by C.
Protein change: p.Gln543Pro; replaces glutamine 543 with proline.
Molecular consequence: missense variant.
Genome position (GRCh38, 1-based): chr19:45,354,767, T>G on the plus strand (A>C on the coding strand, the complement: ERCC2 is on the minus strand). VCF-style: chr19-45354767-T-G. GRCh37 (hg19) VCF-style: chr19-45858025-T-G.
Other names: short protein forms Q543P.
Identifiers: ClinVar variation 134094 (VCV000134094.1), dbSNP rs587778270, ClinGen allele CA158751.

ClinVar aggregate classification (germline): not provided (0 of 4 stars; one submission).

Allele frequency attached by ClinVar (database versions not stated): gnomAD exomes below 0.00001 and 0.00002; ExAC 0.00001; TOPMed 0.00006.
gnomAD v4.1: 1 of 1,614,074 alleles (0.000062%); highest among the groups gnomAD compares: East Asian, 0.0022%; no homozygotes.

Submission:

ITMI
No classification provided. Condition: AllHighlyPenetrant. Last evaluated: 2013-09-19. Review status: no classification provided. Collection method: reference population. Allele origin: germline.
Comment: Please see associated publication for description of ethnicities

Literature cited by the submitters: PubMed 24728327.